The following is an entry in ClinVar:

NM_001256863.1(USP17L22):c.852C>T (p.Ser284=)

Gene: USP17L22 (ubiquitin specific peptidase 17 like family member 22; plus strand). Cytogenetic location: 4p16.1.
Variant type: single nucleotide variant.
Coding change: c.852C>T on transcript NM_001256863.1 (MANE Select); coding-DNA position 852, C replaced by T.
Protein change: p.Ser284=; no amino-acid change (serine 284 retained).
Molecular consequence: synonymous variant.
Genome position (GRCh38, 1-based): chr4:9,268,470, C>T. VCF-style: chr4-9268470-C-T. GRCh37 (hg19) VCF-style: chr4-9270196-C-T.
Identifiers: ClinVar variation 2654662 (VCV002654662.24), dbSNP rs1225330225, ClinGen allele CA438685879.
Genomic context (GRCh38, chr4:9,268,470, plus strand): 5'-CAAGACGTTAACTTTACACACCTCTGCCAAGGTCCTCATCCTTGTATTGAAGAGATTCTC[C>T]GATGTCACAGGCAACAAGATTGCCAAGAATGTGCAATATCCTGAGTGCCTTGACATGCAG-3'
Protein context (NP_001243792.1, residues 274-294): KVLILVLKRF[Ser284=]DVTGNKIAKN

ClinVar aggregate classification (germline): Likely benign (1 of 4 stars; one submission).

Submission:

CeGaT Center for Human Genetics Tuebingen
Classification: Likely benign. Last evaluated: 2022-12-01. Review status: criteria provided, single submitter. Criteria: CeGaT Center For Human Genetics Tuebingen Variant Classification Criteria Version 2. Collection method: clinical testing. Allele origin: germline. Affected: yes. Observed: 2 variant alleles.
Comment: USP17L22: BP4, BP7